The following is an entry in ClinVar:

ClinVar aggregate classification (germline): Uncertain significance (1 of 4 stars; one submission).

Conditions:
Ullrich congenital muscular dystrophy 2 (UCMD2). Identifiers: Orphanet 75840, MedGen C4225314, MONDO:0014654, OMIM 616470.
Bethlem myopathy 2 (BTHLM2). Identifiers: Orphanet 536516, Orphanet 610, MedGen C4225313, MONDO:0034022, OMIM 616471.

Submission:

Labcorp Genetics (formerly Invitae), Labcorp
Classification: Uncertain significance for Bethlem myopathy 2; Ullrich congenital muscular dystrophy 2. Last evaluated: 2025-08-09. Review status: criteria provided, single submitter. Criteria: Invitae Variant Classification Sherloc (09022015). Collection method: clinical testing. Allele origin: germline.
Comment: This sequence change replaces glycine, which is neutral and non-polar, with cysteine, which is neutral and slightly polar, at codon 3004 of the COL12A1 protein (p.Gly3004Cys). This variant also falls at the last nucleotide of exon 64, which is part of the consensus splice site for this exon. This variant is not present in population databases (gnomAD no frequency). This variant has not been reported in the literature in individuals affected with COL12A1-related conditions. An algorithm developed to predict the effect of missense changes on protein structure and function (PolyPhen-2) suggests that this variant is likely to be disruptive. Variants that disrupt the consensus splice site are a relatively common cause of aberrant splicing (PMID: 17576681, 9536098). Algorithms developed to predict the effect of sequence changes on RNA splicing suggest that this variant may disrupt the consensus splice site. In summary, the available evidence is currently insufficient to determine the role of this variant in disease. Therefore, it has been classified as a Variant of Uncertain Significance.

Literature cited by the submitters: PubMed 17576681; PubMed 9536098.

NM_004370.6(COL12A1):c.9010G>T (p.Gly3004Cys)

Gene: COL12A1 (collagen type XII alpha 1 chain; minus strand). Cytogenetic location: 6q13.
Variant type: single nucleotide variant.
Coding change: c.9010G>T on transcript NM_004370.6 (MANE Select); coding-DNA position 9010, G replaced by T.
Protein change: p.Gly3004Cys; replaces glycine 3004 with cysteine.
Molecular consequence: missense variant.
Genome position (GRCh38, 1-based): chr6:75,089,106, C>A on the plus strand (G>T on the coding strand, the complement: COL12A1 is on the minus strand). VCF-style: chr6-75089106-C-A. GRCh37 (hg19) VCF-style: chr6-75798822-C-A.
Other names: c.9010G>T, p.Gly3004Cys (NM_001424113.1); c.8989G>T, p.Gly2997Cys (NM_001424114.1); c.8737G>T, p.Gly2913Cys (NM_001424115.1); c.5518G>T, p.Gly1840Cys (NM_001424116.1, NM_080645.3); short protein forms G1840C, G2997C, G2913C, G3004C.
Identifiers: ClinVar variation 4785824 (VCV004785824.1).